The following is an entry in ClinVar:

NM_198578.4(LRRK2):c.2576G>T (p.Gly859Val)

Gene: LRRK2 (leucine rich repeat kinase 2; plus strand). Cytogenetic location: 12q12.
Variant type: single nucleotide variant.
Coding change: c.2576G>T on transcript NM_198578.4 (MANE Select); coding-DNA position 2576, G replaced by T.
Protein change: p.Gly859Val; replaces glycine 859 with valine.
Molecular consequence: missense variant.
Genome position (GRCh38, 1-based): chr12:40,287,426, G>T. VCF-style: chr12-40287426-G-T. GRCh37 (hg19) VCF-style: chr12-40681228-G-T.
Other names: short protein forms G859V.
Identifiers: ClinVar variation 1793311 (VCV001793311.3), dbSNP rs777205306, ClinGen allele CA384408749.

ClinVar aggregate classification (germline): Uncertain significance (1 of 4 stars; one submission).

Conditions:
Inborn genetic diseases. Identifiers: MedGen C0950123, MeSH D030342.
Parkinson disease (PD). Identifiers: MedGen C0030567, MeSH D010300, MONDO:0005180.

Submission:

Ambry Genetics
Classification: Uncertain significance for Inborn genetic diseases. Last evaluated: 2023-09-27. Review status: criteria provided, single submitter. Criteria: Ambry Variant Classification Scheme 2023. Collection method: clinical testing. Allele origin: germline.
Comment: The p.G859V variant (also known as c.2576G>T), located in coding exon 20 of the LRRK2 gene, results from a G to T substitution at nucleotide position 2576. The glycine at codon 859 is replaced by valine, an amino acid with dissimilar properties. This amino acid position is conserved. In addition, this alteration is predicted to be tolerated by in silico analysis. Since supporting evidence is limited at this time, the clinical significance of this alteration remains unclear.